The following is an entry in ClinVar:

NM_006494.4(ERF):c.373+5_373+6delinsCTGTACCCCAGTGGTGGCGGGGGGCCCAGCGGCTCAGGGGGAGGCTCCCACTTCTCCTTCAGCCCTGAGGACATGAAACGGTACCTGCAGGCCCACACCCAA

Gene: ERF (ETS2 repressor factor; minus strand). Cytogenetic location: 19q13.2.
Variant type: Indel.
Coding change: c.373+5_373+6delinsCTGTACCCCAGTGGTGGCGGGGGGCCCAGCGGCTCAGGGGGAGGCTCCCACTTCTCCTTCAGCCCTGAGGACATGAAACGGTACCTGCAGGCCCACACCCAA on transcript NM_006494.4 (MANE Select); bases 5 to 6 of the intron after coding-DNA position 373, the reference bases replaced by an inserted sequence.
Molecular consequence: intron variant.
Genome position (GRCh38, 1-based): chr19:42,249,821-42,249,822, 2 bases replaced. GRCh37 (hg19): chr19:42,753,973-42,753,974.
Other names: c.148+5_148+6delinsCTGTACCCCAGTGGTGGCGGGGGGCCCAGCGGCTCAGGGGGAGGCTCCCACTTCTCCTTCAGCCCTGAGGACATGAAACGGTACCTGCAGGCCCACACCCAA (NM_001312656.2, NM_001301035.2, NM_001308402.2).
Identifiers: ClinVar variation 3642104 (VCV003642104.2).

ClinVar aggregate classification (germline): Uncertain significance (1 of 4 stars; one submission).

Conditions:
TWIST1-related craniosynostosis (CRS1). Also called: CRANIOSYNOSTOSIS 1. Identifiers: Orphanet 63440, MedGen C4551902, MONDO:0007399, OMIM 123100. Inheritance: Heterogenous inheritance pattern.

Submission:

Labcorp Genetics (formerly Invitae), Labcorp
Classification: Uncertain significance for TWIST1-related craniosynostosis. Last evaluated: 2024-02-19. Review status: criteria provided, single submitter. Criteria: Invitae Variant Classification Sherloc (09022015). Collection method: clinical testing. Allele origin: germline.
Comment: This sequence change falls in intron 3 of the ERF gene. It does not directly change the encoded amino acid sequence of the ERF protein. It affects a nucleotide within the consensus splice site. This variant is not present in population databases (gnomAD no frequency). This variant has not been reported in the literature in individuals affected with ERF-related conditions. Variants that disrupt the consensus splice site are a relatively common cause of aberrant splicing (PMID: 17576681, 9536098). Experimental studies and prediction algorithms are not available or were not evaluated, and the effect of this variant on mRNA splicing is currently unknown. In summary, the available evidence is currently insufficient to determine the role of this variant in disease. Therefore, it has been classified as a Variant of Uncertain Significance.

Literature cited by the submitters: PubMed 17576681; PubMed 9536098.